The following is an entry in ClinVar:

NM_001739.2(CA5A):c.514G>T (p.Val172Leu)

Gene: CA5A (carbonic anhydrase 5A; minus strand). Cytogenetic location: 16q24.2.
Variant type: single nucleotide variant.
Coding change: c.514G>T on transcript NM_001739.2 (MANE Select); coding-DNA position 514, G replaced by T.
Protein change: p.Val172Leu; replaces valine 172 with leucine.
Molecular consequence: missense variant. On other transcripts: non-coding transcript variant (2).
Genome position (GRCh38, 1-based): chr16:87,902,466, C>A on the plus strand (G>T on the coding strand, the complement: CA5A is on the minus strand). VCF-style: chr16-87902466-C-A. GRCh37 (hg19) VCF-style: chr16-87936072-C-A.
Other names: c.514G>T (NM_001739.1); c.514G>T, p.Val172Leu (NM_001367225.1); short protein forms V172L.
Identifiers: ClinVar variation 1495000 (VCV001495000.8), dbSNP rs142182110, ClinGen allele CA8223446.

ClinVar aggregate classification (germline): Conflicting classifications of pathogenicity. Review status: criteria provided, conflicting classifications (1 of 4 stars). 2 submissions from 2 submitters: Uncertain significance (1); Likely benign (1). Last evaluated 2023-03-02.

Conditions:
Inborn genetic diseases. Identifiers: MedGen C0950123, MeSH D030342.
Hyperammonemic encephalopathy due to carbonic anhydrase VA deficiency. Also called: Carbonic anhydrase VA deficiency, hyperammonemia due to; Carbonic Anhydrase VA Deficiency. Identifiers: Orphanet 401948, MedGen C4706871, MONDO:0014332, OMIM 615751.

gnomAD v4.1: 30 of 1,612,470 alleles (0.0019%); highest among the groups gnomAD compares: South Asian, 0.016%; no homozygotes.

Submissions (2):

Ambry Genetics
Classification: Likely benign for Inborn genetic diseases. Last evaluated: 2023-03-02. Review status: criteria provided, single submitter. Criteria: Ambry Variant Classification Scheme 2023. Collection method: clinical testing. Allele origin: germline.

Labcorp Genetics (formerly Invitae), Labcorp
Classification: Uncertain significance for Hyperammonemic encephalopathy due to carbonic anhydrase VA deficiency. Last evaluated: 2022-08-09. Review status: criteria provided, single submitter. Criteria: Invitae Variant Classification Sherloc (09022015). Collection method: clinical testing. Allele origin: germline.
Comment: This sequence change replaces valine, which is neutral and non-polar, with leucine, which is neutral and non-polar, at codon 172 of the CA5A protein (p.Val172Leu). This variant is present in population databases (rs142182110, gnomAD 0.02%). This variant has not been reported in the literature in individuals affected with CA5A-related conditions. ClinVar contains an entry for this variant (Variation ID: 1495000). Algorithms developed to predict the effect of missense changes on protein structure and function output the following: SIFT: "Tolerated"; PolyPhen-2: "Benign"; Align-GVGD: "Class C0". The leucine amino acid residue is found in multiple mammalian species, which suggests that this missense change does not adversely affect protein function. In summary, the available evidence is currently insufficient to determine the role of this variant in disease. Therefore, it has been classified as a Variant of Uncertain Significance.